The following is an entry in ClinVar:

NM_006397.3(RNASEH2A):c.325G>A (p.Val109Ile)

Gene: RNASEH2A (ribonuclease H2 subunit A; plus strand). Cytogenetic location: 19p13.13.
Variant type: single nucleotide variant.
Coding change: c.325G>A on transcript NM_006397.3 (MANE Select); coding-DNA position 325, G replaced by A.
Protein change: p.Val109Ile; replaces valine 109 with isoleucine.
Molecular consequence: missense variant.
Genome position (GRCh38, 1-based): chr19:12,807,420, G>A. VCF-style: chr19-12807420-G-A. GRCh37 (hg19) VCF-style: chr19-12918234-G-A.
Other names: short protein forms V109I.
Identifiers: ClinVar variation 2057814 (VCV002057814.2), dbSNP rs2512890477, ClinGen allele CA404265583.

ClinVar aggregate classification (germline): Uncertain significance (1 of 4 stars; one submission).

Conditions:
Aicardi-Goutieres syndrome 4. Identifiers: Orphanet 51, MedGen C1835912, MONDO:0012472, OMIM 610333.

Submission:

Labcorp Genetics (formerly Invitae), Labcorp
Classification: Uncertain significance for Aicardi-Goutieres syndrome 4. Last evaluated: 2022-10-25. Review status: criteria provided, single submitter. Criteria: Invitae Variant Classification Sherloc (09022015). Collection method: clinical testing. Allele origin: germline.
Comment: In summary, the available evidence is currently insufficient to determine the role of this variant in disease. Therefore, it has been classified as a Variant of Uncertain Significance. Algorithms developed to predict the effect of missense changes on protein structure and function (SIFT, PolyPhen-2, Align-GVGD) all suggest that this variant is likely to be tolerated. This variant has not been reported in the literature in individuals affected with RNASEH2A-related conditions. This variant is not present in population databases (gnomAD no frequency). This sequence change replaces valine, which is neutral and non-polar, with isoleucine, which is neutral and non-polar, at codon 109 of the RNASEH2A protein (p.Val109Ile).